The following is an entry in ClinVar:

ClinVar aggregate classification (germline): Likely pathogenic (1 of 4 stars; one submission).

Conditions:
Inborn genetic diseases. Identifiers: MedGen C0950123, MeSH D030342.

Submission:

Ambry Genetics
Classification: Likely pathogenic for Inborn genetic diseases. Last evaluated: 2021-08-06. Review status: criteria provided, single submitter. Criteria: Ambry Variant Classification Scheme 2023. Collection method: clinical testing. Allele origin: germline.
Comment: The c.6113_6114delTG (p.V2038Dfs*13) alteration, located in exon 8 (coding exon 8) of the ZNF292 gene, consists of a deletion of 2 nucleotides from position 6113 to 6114, causing a translational frameshift with a predicted alternate stop codon after 13 amino acids. This alteration occurs at the 3' terminus of the ZNF292 gene, is not expected to trigger nonsense-mediated mRNA decay, and only impacts the last 24.7% (673/2723) of the protein. However, premature stop codons are typically deleterious in nature and a significant portion of the protein is affected (Ambry internal data). This variant was not reported in population-based cohorts in the Genome Aggregation Database (gnomAD). Based on the available evidence, this alteration is classified as likely pathogenic.

NM_015021.3(ZNF292):c.6113_6114del (p.Val2038fs)

Gene: ZNF292 (zinc finger protein 292; plus strand). Cytogenetic location: 6q14.3.
Variant type: Deletion.
Coding change: c.6113_6114del on transcript NM_015021.3 (MANE Select); coding-DNA positions 6113 to 6114, 2 bases deleted (TG; older notation c.6113_6114delTG).
Protein change: p.Val2038fs; shifts the reading frame from valine 2038.
Molecular consequence: frameshift variant.
Genome position (GRCh38, 1-based): chr6:87,259,742-87,259,743, TG deleted; deleting any 2 consecutive bases within chr6:87,259,741-87,259,743 gives the same sequence; the c. name uses the placement nearest the transcript's 3' end. VCF-style (leftmost placement, unchanged base first): chr6-87259740-AGT-A. GRCh37 (hg19) VCF-style: chr6-87969458-AGT-A.
Other names: c.5693_5694del, p.Val1898fs (NM_001351444.2); short protein forms V1898fs, V2038fs.
Identifiers: ClinVar variation 2239792 (VCV002239792.2), dbSNP rs2482352325, ClinGen allele CA2580075941.